The following is an entry in ClinVar:

ClinVar aggregate classification (germline): Uncertain significance. Review status: criteria provided, single submitter (1 of 4 stars). 2 submissions from 2 submitters: Uncertain significance (1). 1 of the submissions does not count toward it. Last evaluated 2017-05-22.

Conditions:
PCSK1-related disorder. Also called: PCSK1-related condition.

Allele frequency attached by ClinVar (database versions not stated): gnomAD 0.00007 and 0.00010; gnomAD exomes 0.00007 and 0.00024; TOPMed 0.00010; ExAC 0.00024; 1000 Genomes Project 30x 0.00047; 1000 Genomes Project 0.00060.
gnomAD v4.1: 114 of 1,535,264 alleles (0.0074%); highest among the groups gnomAD compares: East Asian, 0.18%; no homozygotes.

Submissions (2):

GeneDx
Classification: Uncertain significance. Last evaluated: 2017-05-22. Review status: criteria provided, single submitter. Criteria: GeneDx Variant Classification (06012015). Collection method: clinical testing. Allele origin: germline. Affected: yes.
Comment: The I6V variant in the PCSK1 gene has not been reported previously as a pathogenic variant, nor as a benign variant, to our knowledge. The I6V variant is not observed at a significant frequency in large population cohorts (Lek et al., 2016; 1000 Genomes Consortium et al., 2015; Exome Variant Server). The I6V variant is a conservative amino acid substitution, which is not likely to impact secondary protein structure as these residues share similar properties. This substitution occurs at a position that is not conserved. In silico analysis predicts this variant likely does not alter the protein structure/function. We interpret I6V as a variant of uncertain significance.

PreventionGenetics, part of Exact Sciences
Classification: Likely benign for PCSK1-related condition. Last evaluated: 2023-05-09. Review status: no assertion criteria provided. Collection method: clinical testing. Allele origin: germline. Not counted in ClinVar's aggregate classification.
Comment: This variant is classified as likely benign based on ACMG/AMP sequence variant interpretation guidelines (Richards et al. 2015 PMID: 25741868, with internal and published modifications).

NM_000439.5(PCSK1):c.180+757A>G

Genes: CAST (calpastatin; plus strand), PCSK1 (proprotein convertase subtilisin/kexin type 1; minus strand), LOC101929710 (uncharacterized LOC101929710; plus strand). Cytogenetic location: 5q15.
Variant type: single nucleotide variant.
Coding change: c.180+757A>G on transcript NM_000439.5 (MANE Select); 757 bases into the intron after coding-DNA position 180, A replaced by G.
Molecular consequence: intron variant. On other transcripts: missense variant (1).
Genome position (GRCh38, 1-based): chr5:96,432,106, T>C on the plus strand (A>G on the coding strand, the complement: PCSK1 is on the minus strand). VCF-style: chr5-96432106-T-C. GRCh37 (hg19) VCF-style: chr5-95767810-T-C.
Other names: c.16A>G, p.Ile6Val (NM_001177875.2); c.16A>G (NM_001177875.1); short protein forms I6V.
Identifiers: ClinVar variation 430133 (VCV000430133.4), dbSNP rs144071994, ClinGen allele CA3350572.